The following is an entry in ClinVar:

ClinVar aggregate classification (germline): Uncertain significance. Review status: criteria provided, multiple submitters, no conflicts (2 of 4 stars). 2 submissions from 2 submitters: Uncertain significance (2). Last evaluated 2025-10-02.

Conditions:
Hereditary cancer-predisposing syndrome. Also called: Hereditary neoplastic syndrome; Neoplastic Syndromes, Hereditary; Tumor predisposition; Hereditary Cancer Syndrome. Identifiers: Orphanet 140162, MedGen C0027672, MeSH D009386, MONDO:0015356.
Familial cancer of breast. Also called: Hereditary breast cancer; hereditary breast carcinoma; BREAST CANCER, FAMILIAL. Identifiers: Orphanet 227535, MedGen C0346153, MONDO:0016419, OMIM 114480. Disease mechanism: loss of function.

Submissions (2):

Ambry Genetics
Classification: Uncertain significance for Hereditary cancer-predisposing syndrome. Last evaluated: 2025-10-02. Review status: criteria provided, single submitter. Criteria: Ambry Variant Classification Scheme 2023. Collection method: clinical testing. Allele origin: germline.
Comment: The p.R153K variant (also known as c.458G>A), located in coding exon 4 of the PALB2 gene, results from a G to A substitution at nucleotide position 458. The arginine at codon 153 is replaced by lysine, an amino acid with highly similar properties. This amino acid position is conserved. In addition, this alteration is predicted to be tolerated by in silico analysis. Based on the available evidence, the clinical significance of this variant remains unclear.

Labcorp Genetics (formerly Invitae), Labcorp
Classification: Uncertain significance for Familial cancer of breast. Last evaluated: 2025-03-19. Review status: criteria provided, single submitter. Criteria: Invitae Variant Classification Sherloc (09022015). Collection method: clinical testing. Allele origin: germline.
Comment: This sequence change replaces arginine, which is basic and polar, with lysine, which is basic and polar, at codon 153 of the PALB2 protein (p.Arg153Lys). This variant is not present in population databases (gnomAD no frequency). This variant has not been reported in the literature in individuals affected with PALB2-related conditions. ClinVar contains an entry for this variant (Variation ID: 1003608). An algorithm developed to predict the effect of missense changes on protein structure and function outputs the following: PolyPhen-2: "Benign". The lysine amino acid residue is found in multiple mammalian species, which suggests that this missense change does not adversely affect protein function. In summary, the available evidence is currently insufficient to determine the role of this variant in disease. Therefore, it has been classified as a Variant of Uncertain Significance.

NM_024675.4(PALB2):c.458G>A (p.Arg153Lys)

Gene: PALB2 (partner and localizer of BRCA2; minus strand). Cytogenetic location: 16p12.2.
Variant type: single nucleotide variant.
Coding change: c.458G>A on transcript NM_024675.4 (MANE Select); coding-DNA position 458, G replaced by A.
Protein change: p.Arg153Lys; replaces arginine 153 with lysine.
Molecular consequence: missense variant.
Genome position (GRCh38, 1-based): chr16:23,636,088, C>T on the plus strand (G>A on the coding strand, the complement: PALB2 is on the minus strand). VCF-style: chr16-23636088-C-T. GRCh37 (hg19) VCF-style: chr16-23647409-C-T.
Other names: c.458G>A (NM_024675.3); short protein forms R153K.
Identifiers: ClinVar variation 1003608 (VCV001003608.11), dbSNP rs1967045901, ClinGen allele CA395137189.